The following is an entry in ClinVar:

ClinVar aggregate classification (germline): Uncertain significance (1 of 4 stars; one submission).

Submission:

CeGaT Center for Human Genetics Tuebingen
Classification: Uncertain significance. Last evaluated: 2022-08-01. Review status: criteria provided, single submitter. Criteria: CeGaT Center For Human Genetics Tuebingen Variant Classification Criteria Version 2. Collection method: clinical testing. Allele origin: germline. Affected: yes. Observed: 1 variant allele.
Comment: EYA4: PM2

NM_004100.5(EYA4):c.333_335del (p.Thr112del)

Gene: EYA4 (EYA transcriptional coactivator and phosphatase 4; plus strand). Cytogenetic location: 6q23.2.
Variant type: Deletion.
Coding change: c.333_335del on transcript NM_004100.5 (MANE Select); coding-DNA positions 333 to 335, 3 bases deleted (GAC; older notation c.333_335delGAC).
Protein change: p.Thr112del; deletes threonine 112.
Molecular consequence: inframe deletion. On other transcripts: intron variant (2).
Genome position (GRCh38, 1-based): chr6:133,456,611-133,456,613, GAC deleted; deleting any 3 consecutive bases within chr6:133,456,609-133,456,613 gives the same sequence; the c. name uses the placement nearest the transcript's 3' end. VCF-style (leftmost placement, unchanged base first): chr6-133456608-CACG-C. GRCh37 (hg19) VCF-style: chr6-133777746-CACG-C.
Other names: c.333_335del, p.Thr112del (NM_001301013.2, NM_172105.4); c.264_266del, p.Thr89del (NM_001370458.1, NM_172103.4); c.209-4503_209-4501del (NM_001370459.1, NM_001301012.2); short protein forms T112del, T89del.
Identifiers: ClinVar variation 1711638 (VCV001711638.30), dbSNP rs2534466279, ClinGen allele CA2580075025.